The following is an entry in ClinVar:

ClinVar aggregate classification (germline): Uncertain significance (1 of 4 stars; one submission).

Conditions:
Cystic fibrosis (CF). Also called: MUCOVISCIDOSIS. Identifiers: Orphanet 586, MedGen C0010674, MONDO:0009061, OMIM 219700. Disease mechanism: loss of function.

Submission:

Ambry Genetics
Classification: Uncertain significance for Cystic fibrosis. Last evaluated: 2025-01-23. Review status: criteria provided, single submitter. Criteria: Ambry Variant Classification Scheme 2023. Collection method: clinical testing. Allele origin: germline.
Comment: The p.G406A variant (also known as c.1217G>C), located in coding exon 10 of the CFTR gene, results from a G to C substitution at nucleotide position 1217. The glycine at codon 406 is replaced by alanine, an amino acid with similar properties. This amino acid position is highly conserved in available vertebrate species. In addition, the in silico prediction for this alteration is inconclusive. Based on the available evidence, the clinical significance of this variant remains unclear.

NM_000492.4(CFTR):c.1217G>C (p.Gly406Ala)

Genes: CFTR (CF transmembrane conductance regulator; plus strand), CFTR-AS1 (CFTR antisense RNA 1; minus strand). Cytogenetic location: 7q31.2.
Variant type: single nucleotide variant.
Coding change: c.1217G>C on transcript NM_000492.4 (MANE Select); coding-DNA position 1217, G replaced by C.
Protein change: p.Gly406Ala; replaces glycine 406 with alanine.
Molecular consequence: missense variant.
Genome position (GRCh38, 1-based): chr7:117,548,648, G>C. VCF-style: chr7-117548648-G-C. GRCh37 (hg19) VCF-style: chr7-117188702-G-C.
Other names: short protein forms G406A.
Identifiers: ClinVar variation 3832546 (VCV003832546.1).